The following is an entry in ClinVar:

ClinVar aggregate classification (germline): Pathogenic (1 of 4 stars; one submission).

Submission:

Labcorp Genetics (formerly Invitae), Labcorp
Classification: Pathogenic. Last evaluated: 2022-04-15. Review status: criteria provided, single submitter. Criteria: Invitae Variant Classification Sherloc (09022015). Collection method: clinical testing. Allele origin: germline.
Comment: For these reasons, this variant has been classified as Pathogenic. This premature translational stop signal has been observed in individual(s) with Gitelman syndrome (PMID: 21415153). This variant is present in population databases (no rsID available, gnomAD 0.0009%). This sequence change creates a premature translational stop signal (p.Pro656Argfs*16) in the SLC12A3 gene. It is expected to result in an absent or disrupted protein product. Loss-of-function variants in SLC12A3 are known to be pathogenic (PMID: 20848653, 22009145, 25841442).

Literature cited by the submitters: PubMed 21415153; PubMed 20848653; PubMed 22009145; PubMed 25841442.

NM_001126108.2(SLC12A3):c.1967del (p.Pro656fs)

Gene: SLC12A3 (solute carrier family 12 member 3; plus strand). Cytogenetic location: 16q13.
Variant type: Deletion.
Coding change: c.1967del on transcript NM_001126108.2 (MANE Select); coding-DNA position 1967, one base deleted (C; older notation c.1967delC).
Protein change: p.Pro656fs; shifts the reading frame from proline 656.
Molecular consequence: frameshift variant.
Genome position (GRCh38, 1-based): chr16:56,886,405, C deleted; the last of 3 consecutive C bases (chr16:56,886,403-56,886,405); deleting any one gives the same sequence. VCF-style (leftmost placement, unchanged base first): chr16-56886402-GC-G. GRCh37 (hg19) VCF-style: chr16-56920314-GC-G.
Other names: c.1967del, p.Pro656fs (NM_000339.3); c.1964del, p.Pro655fs (NM_001126107.2); c.1964delC, p.Pro655Argfs (NM_001410896.1); short protein forms P656fs, P655fs.
Identifiers: ClinVar variation 2137827 (VCV002137827.4), dbSNP rs1567437393, ClinGen allele CA622338403.